The following is an entry in ClinVar:

ClinVar aggregate classification (germline): Benign/Likely benign. Review status: criteria provided, multiple submitters, no conflicts (2 of 4 stars). 4 submissions from 4 submitters: Benign (1); Likely benign (2). 1 of the submissions does not count toward it. Last evaluated 2026-01-19.

Conditions:
PIK3CD-related disorder. Also called: PIK3CD-related condition.
Immunodeficiency 14 (IMD14A). Also called: IMMUNODEFICIENCY 14A WITH LYMPHOPROLIFERATION, AUTOSOMAL DOMINANT; ACTIVATED PI3K-DELTA SYNDROME 1; p110-DELTA-ACTIVATING MUTATION CAUSING SENESCENT T CELLS, LYMPHADENOPATHY, AND IMMUNODEFICIENCY; Activated PI3K Delta Syndrome Type 1 (APDS1). Identifiers: Orphanet 397596, Orphanet 693661, MedGen C5907821, MONDO:0014222, OMIM 615513.

Allele frequency attached by ClinVar (database versions not stated): TOPMed 0.00125; gnomAD exomes 0.00025; 1000 Genomes Project 30x 0.00078; gnomAD 0.00113 and 0.00101; ExAC 0.00032; ESP Exome Variant Server 0.00069; 1000 Genomes Project 0.00100.
gnomAD v4.1: 310 of 1,614,090 alleles (0.019%); highest among the groups gnomAD compares: African/African-American, 0.37%; no homozygotes.

Submissions (4):

Labcorp Genetics (formerly Invitae), Labcorp
Classification: Benign for Activated PI3K-delta syndrome. Last evaluated: 2026-01-19. Review status: criteria provided, single submitter. Criteria: Invitae Variant Classification Sherloc (09022015). Collection method: clinical testing. Allele origin: germline.

Mayo Clinic Laboratories, Mayo Clinic
Classification: Likely benign. Last evaluated: 2025-09-03. Review status: criteria provided, single submitter. Criteria: ACMG Guidelines, 2015. Collection method: clinical testing. Allele origin: germline. Observed: 2 variant alleles.
Comment: BS1, BP4, BP7

Blueprint Genetics
Classification: Likely benign. Last evaluated: 2024-03-19. Review status: criteria provided, single submitter. Criteria: ACMG Guidelines, 2015. Collection method: clinical testing. Allele origin: germline.

PreventionGenetics, part of Exact Sciences
Classification: Likely benign for PIK3CD-related condition. Last evaluated: 2024-02-01. Review status: no assertion criteria provided. Collection method: clinical testing. Allele origin: germline. Not counted in ClinVar's aggregate classification.
Comment: This variant is classified as likely benign based on ACMG/AMP sequence variant interpretation guidelines (Richards et al. 2015 PMID: 25741868, with internal and published modifications).

NM_005026.5(PIK3CD):c.3093G>C (p.Val1031=)

Gene: PIK3CD (phosphatidylinositol-4,5-bisphosphate 3-kinase catalytic subunit delta; plus strand). Cytogenetic location: 1p36.22.
Variant type: single nucleotide variant.
Coding change: c.3093G>C on transcript NM_005026.5 (MANE Select); coding-DNA position 3093, G replaced by C.
Protein change: p.Val1031=; no amino-acid change (valine 1031 retained).
Molecular consequence: synonymous variant.
Genome position (GRCh38, 1-based): chr1:9,727,004, G>C. VCF-style: chr1-9727004-G-C. GRCh37 (hg19) VCF-style: chr1-9787062-G-C.
Other names: p.Val1031=; c.3093G>C (LRG_191t1); c.3090G>C, p.Val1030= (NM_001350234.2); c.3006G>C, p.Val1002= (NM_001350235.1).
Identifiers: ClinVar variation 474029 (VCV000474029.15), dbSNP rs149090253, ClinGen allele CA577729.